The following is an entry in ClinVar:

NM_000353.3(TAT):c.205C>T (p.Pro69Ser)

Gene: TAT (tyrosine aminotransferase; minus strand). Cytogenetic location: 16q22.2.
Variant type: single nucleotide variant.
Coding change: c.205C>T on transcript NM_000353.3 (MANE Select); coding-DNA position 205, C replaced by T.
Protein change: p.Pro69Ser; replaces proline 69 with serine.
Molecular consequence: missense variant.
Genome position (GRCh38, 1-based): chr16:71,576,211, G>A on the plus strand (C>T on the coding strand, the complement: TAT is on the minus strand). VCF-style: chr16-71576211-G-A. GRCh37 (hg19) VCF-style: chr16-71610114-G-A.
Other names: short protein forms P69S.
Identifiers: ClinVar variation 2142587 (VCV002142587.1), dbSNP rs529562778, ClinGen allele CA8154065.
Genomic context (GRCh38, chr16:71,576,211, plus strand): 5'-GACAGCCCCTCAGTAGTGTCCCCAACTCACCAATGGACAGGGAAATCATGGTTTTGTTTG[G>A]ATTTGGTTTCACCTTCATGTTGTCCACAATGGCTCGGATGGGGTTGAAAGTTTTCTTGGC-3'
Protein context (NP_000344.1, residues 59-79): IVDNMKVKPN[Pro69Ser]NKTMISLSIG

ClinVar aggregate classification (germline): Uncertain significance (1 of 4 stars; one submission).

Conditions:
Tyrosinemia type II (TYRSN2). Also called: KERATOSIS PALMOPLANTARIS WITH CORNEAL DYSTROPHY; OREGON TYPE TYROSINEMIA; TAT DEFICIENCY; TYROSINE AMINOTRANSFERASE DEFICIENCY; TYROSINE TRANSAMINASE DEFICIENCY. Identifiers: Orphanet 28378, MedGen C0268487, MONDO:0010160, OMIM 276600.

Allele frequency attached by ClinVar (database versions not stated): gnomAD exomes 0.00001; TOPMed 0.00002; gnomAD 0.00003; ExAC 0.00007; 1000 Genomes Project 30x 0.00031; 1000 Genomes Project 0.00040.

Submission:

Labcorp Genetics (formerly Invitae), Labcorp
Classification: Uncertain significance for Tyrosinemia type II. Last evaluated: 2022-01-27. Review status: criteria provided, single submitter. Criteria: Invitae Variant Classification Sherloc (09022015). Collection method: clinical testing. Allele origin: germline.
Comment: This sequence change replaces proline, which is neutral and non-polar, with serine, which is neutral and polar, at codon 69 of the TAT protein (p.Pro69Ser). This variant is present in population databases (rs529562778, gnomAD 0.1%). This variant has not been reported in the literature in individuals affected with TAT-related conditions. Algorithms developed to predict the effect of missense changes on protein structure and function (SIFT, PolyPhen-2, Align-GVGD) all suggest that this variant is likely to be tolerated. In summary, the available evidence is currently insufficient to determine the role of this variant in disease. Therefore, it has been classified as a Variant of Uncertain Significance.